The following is an entry in ClinVar:

NM_000112.4(SLC26A2):c.1378del (p.Thr460fs)

Gene: SLC26A2 (solute carrier family 26 member 2; plus strand). Cytogenetic location: 5q32.
Variant type: Deletion.
Coding change: c.1378del on transcript NM_000112.4 (MANE Select); coding-DNA position 1378, one base deleted (A; older notation c.1378delA).
Protein change: p.Thr460fs; shifts the reading frame from threonine 460.
Molecular consequence: frameshift variant.
Genome position (GRCh38, 1-based): chr5:149,980,971, A deleted; the last of 2 consecutive A bases (chr5:149,980,970-149,980,971); deleting either gives the same sequence. VCF-style (leftmost placement, unchanged base first): chr5-149980969-TA-T. GRCh37 (hg19) VCF-style: chr5-149360532-TA-T.
Other names: c.1378delA, p.Thr460Glnfs (NM_000112.3); short protein forms T460fs.
Identifiers: ClinVar variation 4817457 (VCV004817457.1).

ClinVar aggregate classification (germline): Likely pathogenic (1 of 4 stars; one submission).

Conditions:
Achondrogenesis, type IB (ACG1B). Also called: Achondrogenesis Type 1B. Identifiers: Orphanet 932, Orphanet 93298, MedGen C0265274, MONDO:0010966, OMIM 600972.

Submission:

Natera, Inc.
Classification: Likely pathogenic for Achondrogenesis type IB. Last evaluated: 2025-11-10. Review status: criteria provided, single submitter. Criteria: Natera Variant Classification Schema (03/2026). Collection method: clinical testing. Allele origin: germline.
Comment: The c.1378del variant in SLC26A2 is a frameshift variant predicted to shift the reading frame beginning at codon 460 and leads to a stop codon 10 codons downstream. This variant is expected to result in nonsense mediated decay, truncation, or a dysfunctional protein product. This variant is rare in the general population with a frequency below the threshold expected for the associated phenotype(s). Given the available evidence, this variant is classified as Likely Pathogenic.